The following is an entry in ClinVar:

NM_001267550.2(TTN):c.58327del (p.Ala19443fs)

Genes: TTN (titin; minus strand), TTN-AS1 (TTN antisense RNA 1; plus strand). Cytogenetic location: 2q31.2.
Variant type: Deletion.
Coding change: c.58327del on transcript NM_001267550.2 (MANE Select); coding-DNA position 58327, one base deleted (G; older notation c.58327delG).
Protein change: p.Ala19443fs; shifts the reading frame from alanine 19443.
Molecular consequence: frameshift variant.
Genome position (GRCh38, 1-based): chr2:178,594,066, C deleted on the plus strand (G on the coding strand, the reverse complement: TTN is on the minus strand). VCF-style (leftmost placement, unchanged base first): chr2-178594065-GC-G. GRCh37 (hg19) VCF-style: chr2-179458792-GC-G.
Other names: c.53404del, p.Ala17802fs (NM_001256850.1); c.31132del, p.Ala10378fs (NM_003319.4); c.50623del, p.Ala16875fs (NM_133378.4); c.31507del, p.Ala10503fs (NM_133432.3); c.31708del, p.Ala10570fs (NM_133437.4); short protein forms A16875fs, A10570fs, A19443fs, A10378fs, A17802fs, A10503fs.
Identifiers: ClinVar variation 2927175 (VCV002927175.3), dbSNP rs2469613166, ClinGen allele CA2586965330.
Genomic context (GRCh38, chr2:178,594,065, plus strand): 5'-TTCTCCACAACCACACAGTATTTGCCGGAATCTGAACGTTTGGCCTTGATCTTCTCTAAA[GC>G]AAGTGTTGCTGGTGTAGTCTTTATATGAGTGCGATCATCTTCCAGCACATCAGCTTCATC-3'

ClinVar aggregate classification (germline): Likely pathogenic (1 of 4 stars; one submission).

Conditions:
Dilated cardiomyopathy 1G (CMD1G). Identifiers: Orphanet 154, MedGen C1858763, MONDO:0011400, OMIM 604145.
Autosomal recessive limb-girdle muscular dystrophy type 2J (LGMDR10). Also called: Limb-girdle muscular dystrophy, type 2J; MUSCULAR DYSTROPHY, LIMB-GIRDLE, AUTOSOMAL RECESSIVE 10. Identifiers: Orphanet 140922, MedGen C1837342, MONDO:0012127, OMIM 608807.

Submission:

Labcorp Genetics (formerly Invitae), Labcorp
Classification: Likely pathogenic for Dilated cardiomyopathy 1G; Autosomal recessive limb-girdle muscular dystrophy type 2J. Last evaluated: 2025-07-30. Review status: criteria provided, single submitter. Criteria: Invitae Variant Classification Sherloc (09022015). Collection method: clinical testing. Allele origin: germline.
Comment: This sequence change creates a premature translational stop signal (p.Ala19443Leufs*2) in the TTN gene. While this is not anticipated to result in nonsense mediated decay, it is expected to create a truncated TTN protein. This variant is not present in population databases (gnomAD no frequency). This premature translational stop signal has been observed in individual(s) with dilated cardiomyopathy and/or left ventricular dysfunction (PMID: 29540472, 32880476). ClinVar contains an entry for this variant (Variation ID: 2927175). This variant is located in the A band of TTN (PMID: 25589632). Truncating variants in this region are significantly overrepresented in patients affected with dilated cardiomyopathy (PMID: 25589632). Truncating variants in this region have also been reported in individuals affected with autosomal recessive centronuclear myopathy (PMID: 23975875). In summary, the currently available evidence indicates that the variant is pathogenic, but additional data are needed to prove that conclusively. Therefore, this variant has been classified as Likely Pathogenic.

Literature cited by the submitters: PubMed 29540472; PubMed 32880476; PubMed 25589632; PubMed 23975875.